The following is an entry in ClinVar:

ClinVar aggregate classification (germline): Uncertain significance (1 of 4 stars; one submission).

Submission:

Labcorp Genetics (formerly Invitae), Labcorp
Classification: Uncertain significance. Last evaluated: 2022-05-12. Review status: criteria provided, single submitter. Criteria: Invitae Variant Classification Sherloc (09022015). Collection method: clinical testing. Allele origin: germline.
Comment: This sequence change replaces arginine, which is basic and polar, with glycine, which is neutral and non-polar, at codon 57 of the DLL3 protein (p.Arg57Gly). This variant is not present in population databases (gnomAD no frequency). This variant has not been reported in the literature in individuals affected with DLL3-related conditions. Algorithms developed to predict the effect of missense changes on protein structure and function are either unavailable or do not agree on the potential impact of this missense change (SIFT: "Deleterious"; PolyPhen-2: "Probably Damaging"; Align-GVGD: "Class C0"). In summary, the available evidence is currently insufficient to determine the role of this variant in disease. Therefore, it has been classified as a Variant of Uncertain Significance.

NM_203486.3(DLL3):c.169C>G (p.Arg57Gly)

Gene: DLL3 (delta like canonical Notch ligand 3; plus strand). Cytogenetic location: 19q13.2.
Variant type: single nucleotide variant.
Coding change: c.169C>G on transcript NM_203486.3 (MANE Select); coding-DNA position 169, C replaced by G.
Protein change: p.Arg57Gly; replaces arginine 57 with glycine.
Molecular consequence: missense variant.
Genome position (GRCh38, 1-based): chr19:39,499,291, C>G. VCF-style: chr19-39499291-C-G. GRCh37 (hg19) VCF-style: chr19-39989931-C-G.
Other names: c.169C>G, p.Arg57Gly (NM_016941.4); short protein forms R57G.
Identifiers: ClinVar variation 1942119 (VCV001942119.2), dbSNP rs1441217676, ClinGen allele CA405793422.